The following is an entry in ClinVar:

ClinVar aggregate classification (germline): Uncertain significance (0 of 4 stars; one submission).

Conditions:
PLXNA3-related disorder. Also called: PLXNA3-related condition.

gnomAD v4.1: 1 of 1,209,808 alleles (0.000083%); highest among the groups gnomAD compares: Admixed American, 0.0022%; no homozygotes.

Submission:

PreventionGenetics, part of Exact Sciences
Classification: Uncertain significance for PLXNA3-related condition. Last evaluated: 2024-09-01. Review status: no assertion criteria provided. Collection method: clinical testing. Allele origin: germline.
Comment: The PLXNA3 c.3722C>A variant is predicted to result in the amino acid substitution p.Ala1241Glu. To our knowledge, this variant has not been reported in the literature or in a large population database, indicating this variant is rare. At this time, the clinical significance of this variant is uncertain due to the absence of conclusive functional and genetic evidence.

NM_017514.5(PLXNA3):c.3722C>A (p.Ala1241Asp)

Gene: PLXNA3 (plexin A3; plus strand). Cytogenetic location: Xq28.
Variant type: single nucleotide variant.
Coding change: c.3722C>A on transcript NM_017514.5 (MANE Select); coding-DNA position 3722, C replaced by A.
Protein change: p.Ala1241Asp; replaces alanine 1241 with aspartic acid.
Molecular consequence: missense variant.
Genome position (GRCh38, 1-based): chrX:154,467,903, C>A. VCF-style: chrX-154467903-C-A. GRCh37 (hg19) VCF-style: chrX-153696246-C-A.
Other names: short protein forms A1241D.
Identifiers: ClinVar variation 3353537 (VCV003353537.1).